The following is an entry in ClinVar:

NM_007294.4(BRCA1):c.5278-191A>T

Gene: BRCA1 (BRCA1 DNA repair associated; minus strand). Cytogenetic location: 17q21.31.
Variant type: single nucleotide variant.
Coding change: c.5278-191A>T on transcript NM_007294.4 (MANE Select); 191 bases into the intron before coding-DNA position 5278, A replaced by T.
Molecular consequence: intron variant.
Genome position (GRCh38, 1-based): chr17:43,051,308, T>A on the plus strand (A>T on the coding strand, the complement: BRCA1 is on the minus strand). VCF-style: chr17-43051308-T-A. GRCh37 (hg19) VCF-style: chr17-41203325-T-A.
Other names: IVS 20-191A>T; c.1825-191A>T (NM_001408458.1, NM_001408461.1, NM_001408464.1 and 7 more transcripts); c.4387-191A>T (NM_001407967.1); c.4897-191A>T (NM_001407959.1); c.5011-191A>T (NM_001407931.1, NM_001407932.1, NM_001407928.1 and 4 more transcripts); c.5134-191A>T (NM_001407747.1, NM_001407745.1, NM_001407737.1 and 21 more transcripts); c.4894-191A>T (NM_001407962.1, NM_001407960.1); c.1465-191A>T (NM_001408512.1); and 75 more.
Identifiers: ClinVar variation 209259 (VCV000209259.5), dbSNP rs8176297, ClinGen allele CA276231.

ClinVar aggregate classification (germline): Benign. Review status: reviewed by expert panel (3 of 4 stars). 3 submissions from 3 submitters: Benign (1). 2 of the submissions do not count toward it. Last evaluated 2015-01-12.

Conditions:
Breast-ovarian cancer, familial, susceptibility to, 1 (BROVCA1). Also called: BRCA1 Hereditary Breast and Ovarian Cancer; OVARIAN CANCER, SUSCEPTIBILITY TO. Identifiers: Orphanet 145, MedGen C2676676, MONDO:0011450, OMIM 604370. Disease mechanism: loss of function.

Allele frequency attached by ClinVar (database versions not stated): TOPMed 0.29156; gnomAD 0.30302 and 0.31025; 1000 Genomes Project 30x 0.33526; 1000 Genomes Project 0.34285.
gnomAD v4.1: 47,221 of 152,128 alleles (31%); highest among the groups gnomAD compares: South Asian, 49%; 7,711 homozygotes.

Submissions (3):

Evidence-based Network for the Interpretation of Germline Mutant Alleles (ENIGMA)
Classification: Benign for Breast-ovarian cancer, familial 1. Last evaluated: 2015-01-12. Review status: reviewed by expert panel. Criteria: ENIGMA BRCA1/2 Classification Criteria (2015). Collection method: curation. Allele origin: germline.
Comment: Class 1 not pathogenic based on frequency >1% in an outbred sampleset. Frequency 0.3304 (Asian), 0.2154 (African), 0.3602 (European), derived from 1000 genomes (2012-04-30).

GeneDx
Classification: Benign. Last evaluated: 2018-06-23. Review status: criteria provided, single submitter. Criteria: GeneDx Variant Classification Process June 2021. Collection method: clinical testing. Allele origin: germline. Affected: yes. Not counted in ClinVar's aggregate classification.

Breakthrough Genomics
Classification: Benign. Review status: criteria provided, single submitter. Criteria: ACMG Guidelines, 2015. Collection method: not provided. Allele origin: germline. Inheritance: Autosomal recessive inheritance. Affected: yes. Not counted in ClinVar's aggregate classification.